The following is an entry in ClinVar:

NM_001734.5(C1S):c.1165C>A (p.Pro389Thr)

Gene: C1S (complement C1s; plus strand). Cytogenetic location: 12p13.31.
Variant type: single nucleotide variant.
Coding change: c.1165C>A on transcript NM_001734.5 (MANE Select); coding-DNA position 1165, C replaced by A.
Protein change: p.Pro389Thr; replaces proline 389 with threonine.
Molecular consequence: missense variant.
Genome position (GRCh38, 1-based): chr12:7,067,741, C>A. VCF-style: chr12-7067741-C-A. GRCh37 (hg19) VCF-style: chr12-7175045-C-A.
Other names: c.1165C>A (NM_201442.2); c.664C>A, p.Pro222Thr (NM_001346850.2); c.1165C>A, p.Pro389Thr (NM_201442.4); short protein forms P389T, P222T.
Identifiers: ClinVar variation 1436097 (VCV001436097.11), dbSNP rs782725964, ClinGen allele CA6423691.

ClinVar aggregate classification (germline): Uncertain significance. Review status: criteria provided, multiple submitters, no conflicts (2 of 4 stars). 3 submissions from 3 submitters: Uncertain significance (3). Last evaluated 2026-01-25.

Conditions:
Inborn genetic diseases. Identifiers: MedGen C0950123, MeSH D030342.

Allele frequency attached by ClinVar (database versions not stated): ExAC 0.00001; gnomAD 0.00003 and 0.00004; gnomAD exomes 0.00003 and 0.00006; TOPMed 0.00003.
gnomAD v4.1: 87 of 1,613,654 alleles (0.0054%); highest among the groups gnomAD compares: Middle Eastern, 0.016%; no homozygotes.

Submissions (3):

Labcorp Genetics (formerly Invitae), Labcorp
Classification: Uncertain significance. Last evaluated: 2026-01-25. Review status: criteria provided, single submitter. Criteria: Invitae Variant Classification Sherloc (09022015). Collection method: clinical testing. Allele origin: germline.
Comment: This sequence change replaces proline, which is neutral and non-polar, with threonine, which is neutral and polar, at codon 389 of the C1S protein (p.Pro389Thr). This variant is present in population databases (rs782725964, gnomAD 0.006%). This variant has not been reported in the literature in individuals affected with C1S-related conditions. ClinVar contains an entry for this variant (Variation ID: 1436097). Invitae Evidence Modeling of protein sequence and biophysical properties (such as structural, functional, and spatial information, amino acid conservation, physicochemical variation, residue mobility, and thermodynamic stability) indicates that this missense variant is not expected to disrupt C1S protein function with a negative predictive value of 80%. In summary, the available evidence is currently insufficient to determine the role of this variant in disease. Therefore, it has been classified as a Variant of Uncertain Significance.

Ambry Genetics
Classification: Uncertain significance for Inborn genetic diseases. Last evaluated: 2025-12-15. Review status: criteria provided, single submitter. Criteria: Ambry Variant Classification Scheme 2023. Collection method: clinical testing. Allele origin: germline.

Women's Health and Genetics/Laboratory Corporation of America, LabCorp
Classification: Uncertain significance. Last evaluated: 2025-12-09. Review status: criteria provided, single submitter. Criteria: LabCorp Variant Classification Summary - May 2015. Collection method: clinical testing. Allele origin: germline.
Comment: Variant summary: C1S c.1165C>A (p.Pro389Thr) results in a non-conservative amino acid change in the encoded protein sequence. Algorithms developed to predict the effect of missense changes on protein structure and function are either unavailable or do not agree on the potential impact of this missense change. The variant allele was found at a frequency of 2.8e-05 in 251354 control chromosomes. The available data on variant occurrences in the general population are insufficient to allow any conclusion about variant significance. To our knowledge, no occurrence of c.1165C>A in individuals affected with C1S-related conditions and no experimental evidence demonstrating its impact on protein function have been reported. ClinVar contains an entry for this variant (Variation ID: 1436097). Based on the evidence outlined above, the variant was classified as uncertain significance.